The following is an entry in ClinVar:

ClinVar aggregate classification (germline): Uncertain significance. Review status: criteria provided, multiple submitters, no conflicts (2 of 4 stars). 2 submissions from 2 submitters: Uncertain significance (2). Last evaluated 2025-10-19.

gnomAD v4.1: 57 of 1,613,972 alleles (0.0035%); highest among the groups gnomAD compares: Non-Finnish European, 0.0046%; no homozygotes.

Submissions (2):

Labcorp Genetics (formerly Invitae), Labcorp
Classification: Uncertain significance. Last evaluated: 2025-10-19. Review status: criteria provided, single submitter. Criteria: Invitae Variant Classification Sherloc (09022015). Collection method: clinical testing. Allele origin: germline.
Comment: This sequence change replaces glutamic acid, which is acidic and polar, with glutamine, which is neutral and polar, at codon 780 of the SPTA1 protein (p.Glu780Gln). This variant is present in population databases (rs762164952, gnomAD 0.003%). This variant has not been reported in the literature in individuals affected with SPTA1-related conditions. ClinVar contains an entry for this variant (Variation ID: 3448915). Invitae Evidence Modeling of protein sequence and biophysical properties (such as structural, functional, and spatial information, amino acid conservation, physicochemical variation, residue mobility, and thermodynamic stability) indicates that this missense variant is not expected to disrupt SPTA1 protein function with a negative predictive value of 80%. In summary, the available evidence is currently insufficient to determine the role of this variant in disease. Therefore, it has been classified as a Variant of Uncertain Significance.

Ambry Genetics
Classification: Uncertain significance. Last evaluated: 2024-09-04. Review status: criteria provided, single submitter. Criteria: Ambry Variant Classification Scheme 2023. Collection method: clinical testing. Allele origin: germline.

NM_003126.4(SPTA1):c.2338G>C (p.Glu780Gln)

Gene: SPTA1 (spectrin alpha, erythrocytic 1; minus strand). Cytogenetic location: 1q23.1.
Variant type: single nucleotide variant.
Coding change: c.2338G>C on transcript NM_003126.4 (MANE Select); coding-DNA position 2338, G replaced by C.
Protein change: p.Glu780Gln; replaces glutamic acid 780 with glutamine.
Molecular consequence: missense variant.
Genome position (GRCh38, 1-based): chr1:158,662,828, C>G on the plus strand (G>C on the coding strand, the complement: SPTA1 is on the minus strand). VCF-style: chr1-158662828-C-G. GRCh37 (hg19) VCF-style: chr1-158632618-C-G.
Other names: short protein forms E780Q.
Identifiers: ClinVar variation 3448915 (VCV003448915.2).